The following is an entry in ClinVar:

NM_001127511.3(APC):c.-150G>A

Gene: APC (APC regulator of Wnt signaling pathway; plus strand). Cytogenetic location: 5q22.2.
Variant type: single nucleotide variant.
Coding change: c.-150G>A on transcript NM_001127511.3; 150 bases upstream of the start codon, G replaced by A.
Molecular consequence: 5 prime UTR variant. On other transcripts: non-coding transcript variant (2).
Genome position (GRCh38, 1-based): chr5:112,707,568, G>A. VCF-style: chr5-112707568-G-A. GRCh37 (hg19) VCF-style: chr5-112043265-G-A.
Other names: c.-333G>A (NM_001354895.2, NM_001407447.1, NM_001407452.1 and 3 more transcripts); c.-150G>A (NM_001354897.2, NM_001354902.2, NM_001407446.1); c.-100G>A (NM_001407448.1, NM_001407450.1, NM_001407457.1 and 1 more transcripts); c.-124G>A (NM_001407453.1); c.-1368G>A (NM_001407470.1, NM_001407472.1).
Identifiers: ClinVar variation 469842 (VCV000469842.11), dbSNP rs1459755551, ClinGen allele CA658655890.

ClinVar aggregate classification (germline): Uncertain significance (1 of 4 stars; one submission).

Conditions:
Familial adenomatous polyposis 1 (FAP1). Also called: FAMILIAL ADENOMATOUS POLYPOSIS 1, ATTENUATED; POLYPOSIS, ADENOMATOUS INTESTINAL. Identifiers: MedGen C2713442, MONDO:0021056, OMIM 175100. Disease mechanism: loss of function.

Allele frequency attached by ClinVar (database versions not stated): gnomAD 0.00002; gnomAD exomes 0.00005; TOPMed 0.00003.
gnomAD v4.1: 38 of 782,136 alleles (0.0049%); highest among the groups gnomAD compares: Non-Finnish European, 0.0064%; no homozygotes.

Submission:

Labcorp Genetics (formerly Invitae), Labcorp
Classification: Uncertain significance for Familial adenomatous polyposis 1. Last evaluated: 2026-01-28. Review status: criteria provided, single submitter. Criteria: Invitae Variant Classification Sherloc (09022015). Collection method: clinical testing. Allele origin: germline.
Comment: This variant occurs in a non-coding region of the APC gene. It does not change the encoded amino acid sequence of the APC protein. This variant is not present in population databases (gnomAD no frequency). This variant has not been reported in the literature in individuals affected with APC-related conditions. ClinVar contains an entry for this variant (Variation ID: 469842). Experimental studies and prediction algorithms are not available or were not evaluated, and the functional significance of this variant is currently unknown. In summary, the available evidence is currently insufficient to determine the role of this variant in disease. Therefore, it has been classified as a Variant of Uncertain Significance.